The following is an entry in ClinVar:

NM_001849.4(COL6A2):c.1465C>G (p.Arg489Gly)

Gene: COL6A2 (collagen type VI alpha 2 chain; plus strand). Cytogenetic location: 21q22.3.
Variant type: single nucleotide variant.
Coding change: c.1465C>G on transcript NM_001849.4 (MANE Select); coding-DNA position 1465, C replaced by G.
Protein change: p.Arg489Gly; replaces arginine 489 with glycine.
Molecular consequence: missense variant.
Genome position (GRCh38, 1-based): chr21:46,121,562, C>G. VCF-style: chr21-46121562-C-G. GRCh37 (hg19) VCF-style: chr21-47541476-C-G.
Other names: c.1465C>G, p.Arg489Gly (NM_058174.3, NM_058175.3); short protein forms R489G.
Identifiers: ClinVar variation 1509401 (VCV001509401.8), dbSNP rs727502829, ClinGen allele CA410531926.
Genomic context (GRCh38, chr21:46,121,562, plus strand): 5'-GGGCATGGCCAGTCCCTGCCTGTGCTGACTTCTGAATTTCTCTCCTGCCCTCAGGGATCT[C>G]GGGGAGACCCCGGTGATGCAGGACCCCGTGGAGACTCAGGACAGCCAGGCCCCAAGGTAC-3'
Protein context (NP_001840.3, residues 479-499): ALGEPGKQGS[Arg489Gly]GDPGDAGPRG

ClinVar aggregate classification (germline): Uncertain significance (1 of 4 stars; one submission).

Conditions:
Bethlem myopathy 1A. Also called: MYOPATHY, BENIGN CONGENITAL, WITH CONTRACTURES; Bethlem myopathy 1; Bethlem Muscular Dystrophy. Identifiers: Orphanet 610, MedGen CN029274, MONDO:0024530, OMIM 158810.

Submission:

Labcorp Genetics (formerly Invitae), Labcorp
Classification: Uncertain significance for Bethlem myopathy 1A. Last evaluated: 2022-02-03. Review status: criteria provided, single submitter. Criteria: Invitae Variant Classification Sherloc (09022015). Collection method: clinical testing. Allele origin: germline.
Comment: In summary, the available evidence is currently insufficient to determine the role of this variant in disease. Therefore, it has been classified as a Variant of Uncertain Significance. Advanced modeling of protein sequence and biophysical properties (such as structural, functional, and spatial information, amino acid conservation, physicochemical variation, residue mobility, and thermodynamic stability) performed at Invitae indicates that this missense variant is not expected to disrupt COL6A2 protein function. This variant has not been reported in the literature in individuals affected with COL6A2-related conditions. This variant is not present in population databases (gnomAD no frequency). This sequence change replaces arginine, which is basic and polar, with glycine, which is neutral and non-polar, at codon 489 of the COL6A2 protein (p.Arg489Gly).